The following is an entry in ClinVar:

ClinVar aggregate classification (germline): Benign (1 of 4 stars; one submission).

Conditions:
SYNM-related disorder. Also called: SYNM-related condition.

gnomAD v4.1: 7 of 1,613,844 alleles (0.00043%); highest among the groups gnomAD compares: African/African-American, 0.0093%; no homozygotes.

Submission:

PreventionGenetics, part of Exact Sciences
Classification: Benign for SYNM-related condition. Last evaluated: 2019-10-17. Review status: criteria provided, single submitter. Criteria: ACMG Guidelines, 2015. Collection method: clinical testing. Allele origin: germline.
Comment: This variant is classified as benign based on ACMG/AMP sequence variant interpretation guidelines (Richards et al. 2015 PMID: 25741868, with internal and published modifications).

NM_145728.3(SYNM):c.4033G>C (p.Gly1345Arg)

Gene: SYNM (synemin; plus strand). Cytogenetic location: 15q26.3.
Variant type: single nucleotide variant.
Coding change: c.4033G>C on transcript NM_145728.3 (MANE Select); coding-DNA position 4033, G replaced by C.
Protein change: p.Gly1345Arg; replaces glycine 1345 with arginine.
Molecular consequence: missense variant. On other transcripts: intron variant (1).
Genome position (GRCh38, 1-based): chr15:99,132,393, G>C. VCF-style: chr15-99132393-G-C. GRCh37 (hg19) VCF-style: chr15-99672598-G-C.
Other names: c.3454-357G>C (NM_015286.6); short protein forms G1345R.
Identifiers: ClinVar variation 3035393 (VCV003035393.1), dbSNP rs180787652, ClinGen allele CA393672965.